The following is an entry in ClinVar:

ClinVar aggregate classification (germline): Likely benign (0 of 4 stars; one submission).

Conditions:
AFF4-related disorder. Also called: AFF4-related condition.

Allele frequency attached by ClinVar (database versions not stated): gnomAD 0.00001; gnomAD exomes 0.00001; TOPMed 0.00002.
gnomAD v4.1: 19 of 1,614,068 alleles (0.0012%); highest among the groups gnomAD compares: Non-Finnish European, 0.0016%; no homozygotes.

Submission:

PreventionGenetics, part of Exact Sciences
Classification: Likely benign for AFF4-related condition. Last evaluated: 2022-05-06. Review status: no assertion criteria provided. Collection method: clinical testing. Allele origin: germline.
Comment: This variant is classified as likely benign based on ACMG/AMP sequence variant interpretation guidelines (Richards et al. 2015 PMID: 25741868, with internal and published modifications).

NM_014423.4(AFF4):c.534T>G (p.Ser178=)

Gene: AFF4 (ALF transcription elongation factor 4; minus strand). Cytogenetic location: 5q31.1.
Variant type: single nucleotide variant.
Coding change: c.534T>G on transcript NM_014423.4 (MANE Select); coding-DNA position 534, T replaced by G.
Protein change: p.Ser178=; no amino-acid change (serine 178 retained).
Molecular consequence: synonymous variant.
Genome position (GRCh38, 1-based): chr5:132,934,531, A>C on the plus strand (T>G on the coding strand, the complement: AFF4 is on the minus strand). VCF-style: chr5-132934531-A-C. GRCh37 (hg19) VCF-style: chr5-132270223-A-C.
Identifiers: ClinVar variation 3030358 (VCV003030358.2), dbSNP rs943707910, ClinGen allele CA127295312.